The following is an entry in ClinVar:

NM_145698.5(ACBD5):c.119G>A (p.Arg40Lys)

Genes: ACBD5 (acyl-CoA binding domain containing 5; minus strand), LOC130003557 (ATAC-STARR-seq lymphoblastoid active region 3182; plus strand). Cytogenetic location: 10p12.1.
Variant type: single nucleotide variant.
Coding change: c.119G>A on transcript NM_145698.5 (MANE Select); coding-DNA position 119, G replaced by A.
Protein change: p.Arg40Lys; replaces arginine 40 with lysine.
Molecular consequence: missense variant. On other transcripts: 5 prime UTR variant (7).
Genome position (GRCh38, 1-based): chr10:27,240,381, C>T on the plus strand (G>A on the coding strand, the complement: ACBD5 is on the minus strand). VCF-style: chr10-27240381-C-T. GRCh37 (hg19) VCF-style: chr10-27529310-C-T.
Other names: c.14G>A, p.Arg5Lys (NM_001042473.4, NM_001352574.2, NM_001352575.2 and 6 more transcripts); c.113G>A, p.Arg38Lys (NM_001271512.3, NM_001352571.1, NM_001352586.1 and 1 more transcripts); c.-88G>A (NM_001301251.2, NM_001301252.2, NM_001301253.2 and 4 more transcripts); c.140G>A, p.Arg47Lys (NM_001352568.1, NM_001352572.1); c.119G>A, p.Arg40Lys (NM_001352569.1, NM_001352570.1, NM_001352573.1 and 2 more transcripts); short protein forms R38K, R40K, R47K, R5K.
Identifiers: ClinVar variation 1482401 (VCV001482401.8), dbSNP rs2065329583, ClinGen allele CA376378718.

ClinVar aggregate classification (germline): Uncertain significance (1 of 4 stars; one submission).

Submission:

Labcorp Genetics (formerly Invitae), Labcorp
Classification: Uncertain significance. Last evaluated: 2021-03-29. Review status: criteria provided, single submitter. Criteria: Invitae Variant Classification Sherloc (09022015). Collection method: clinical testing. Allele origin: germline.
Comment: In summary, the available evidence is currently insufficient to determine the role of this variant in disease. Therefore, it has been classified as a Variant of Uncertain Significance. Algorithms developed to predict the effect of missense changes on protein structure and function output the following: SIFT: "Tolerated"; PolyPhen-2: "Benign"; Align-GVGD: "Class C0". The lysine amino acid residue is found in multiple mammalian species, suggesting that this missense change does not adversely affect protein function. These predictions have not been confirmed by published functional studies and their clinical significance is uncertain. This variant has not been reported in the literature in individuals with ACBD5-related conditions. This variant is not present in population databases (ExAC no frequency). This sequence change replaces arginine with lysine at codon 40 of the ACBD5 protein (p.Arg40Lys). The arginine residue is weakly conserved and there is a small physicochemical difference between arginine and lysine.